The following is an entry in ClinVar:

NM_020066.5(FMN2):c.3495T>A (p.Pro1165=)

Gene: FMN2 (formin 2; plus strand). Cytogenetic location: 1q43.
Variant type: single nucleotide variant.
Coding change: c.3495T>A on transcript NM_020066.5 (MANE Select); coding-DNA position 3495, T replaced by A.
Protein change: p.Pro1165=; no amino-acid change (proline 1165 retained).
Molecular consequence: synonymous variant. On other transcripts: intron variant (1).
Genome position (GRCh38, 1-based): chr1:240,208,307, T>A. VCF-style: chr1-240208307-T-A. GRCh37 (hg19) VCF-style: chr1-240371607-T-A.
Other names: c.3507T>A, p.Pro1169= (NM_001305424.2); c.1986+20045T>A (NM_001348094.2).
Identifiers: ClinVar variation 2640197 (VCV002640197.24), dbSNP rs530879262, ClinGen allele CA1477209.

ClinVar aggregate classification (germline): Likely benign (1 of 4 stars; one submission).

Allele frequency attached by ClinVar (database versions not stated): ExAC 0.00002.

Submission:

CeGaT Center for Human Genetics Tuebingen
Classification: Likely benign. Last evaluated: 2026-08-01. Review status: criteria provided, single submitter. Criteria: CeGaT Center For Human Genetics Tuebingen Variant Classification Criteria Version 2. Collection method: clinical testing. Allele origin: germline. Affected: yes. Observed: 4 variant alleles.
Comment: FMN2: BP4, BP7